The following is an entry in ClinVar:

ClinVar aggregate classification (germline): Uncertain significance (1 of 4 stars; one submission).

Conditions:
Developmental and epileptic encephalopathy, 80. Also called: EPILEPTIC ENCEPHALOPATHY, EARLY INFANTILE, 80; GLYCOSYLPHOSPHATIDYLINOSITOL BIOSYNTHESIS DEFECT 20. Identifiers: MedGen C5231418, MONDO:0032822, OMIM 618580.

gnomAD v4.1: 2 of 1,613,250 alleles (0.00012%); highest among the groups gnomAD compares: Non-Finnish European, 0.000085%; no homozygotes.

Submission:

3billion
Classification: Uncertain significance for Developmental and epileptic encephalopathy, 80. Last evaluated: 2025-11-24. Review status: criteria provided, single submitter. Criteria: ACMG Guidelines, 2015. Collection method: clinical testing. Allele origin: germline. Affected: yes.
Comment: The variant is observed at an extremely low frequency in the gnomAD v4.1.0 dataset (total allele frequency: <0.001%). Predicted Consequence/Location: Missense variant In silico tool predictions suggest damaging effect of the variant on gene or gene product [REVEL: 0.61 (>=0.6, sensitivity 0.68 and specificity 0.92)]. Therefore, this variant is classified as VUS according to the recommendation of ACMG/AMP guideline.

NM_004855.5(PIGB):c.233T>C (p.Val78Ala)

Gene: PIGB (phosphatidylinositol glycan anchor biosynthesis class B; plus strand). Cytogenetic location: 15q21.3.
Variant type: single nucleotide variant.
Coding change: c.233T>C on transcript NM_004855.5 (MANE Select); coding-DNA position 233, T replaced by C.
Protein change: p.Val78Ala; replaces valine 78 with alanine.
Molecular consequence: missense variant.
Genome position (GRCh38, 1-based): chr15:55,320,344, T>C. VCF-style: chr15-55320344-T-C. GRCh37 (hg19) VCF-style: chr15-55612542-T-C.
Other names: short protein forms V78A.
Identifiers: ClinVar variation 4856143 (VCV004856143.1).
Genomic context (GRCh38, chr15:55,320,344, plus strand): 5'-GAGAAAATATTTATCTGCTCTTGTTTACCATAGCTTTACGAATATTAAACTGCTTTTTAG[T>C]GCAGACAAGTTTTGTTCCAGATGAATACTGGCAGTCTCTTGAAGTTTCACATCACATGGT-3'
Protein context (NP_004846.4, residues 68-88): IALRILNCFL[Val78Ala]QTSFVPDEYW